The following is an entry in ClinVar:

ClinVar aggregate classification (germline): Conflicting classifications of pathogenicity. Review status: criteria provided, conflicting classifications (1 of 4 stars). 6 submissions from 2 submitters: Uncertain significance (5); Likely benign (1). Last evaluated 2025-10-11.

Conditions:
Congenital myasthenic syndrome 16. Identifiers: Orphanet 590, MedGen C3280112, MONDO:0013620, OMIM 614198.
Paramyotonia congenita of Von Eulenburg. Also called: Paramyotonia Congenita; PARALYSIS PERIODICA PARAMYOTONICA; Eulenburg disease; Myotonia congenita intermittens; Von Eulenburg paramyotonia congenita. Identifiers: Orphanet 684, MedGen C0221055, MONDO:0008195, OMIM 168300. Disease mechanism: loss of function.
Hypokalemic periodic paralysis, type 2 (HOKPP2). Identifiers: Orphanet 681, MedGen C2750061, MONDO:0013234, OMIM 613345.
Hyperkalemic periodic paralysis. Also called: Familial hyperkalemic periodic paralysis; Gamstorp disease. Identifiers: Orphanet 682, MedGen C0238357, MONDO:0008224, OMIM 170500, HP:0007215.
Potassium-aggravated myotonia. Also called: Myotonia congenita, atypical, acetazolamide-responsive; MYOTONIA CONGENITA, ACETAZOLAMIDE-RESPONSIVE; MYOTONIA CONGENITA, ATYPICAL; SODIUM CHANNEL MUSCLE DISEASE. Identifiers: Orphanet 612, Orphanet 99734, Orphanet 99735, Orphanet 99736, MedGen C2931826, MONDO:0018959, OMIM 608390.

Allele frequency attached by ClinVar (database versions not stated): gnomAD 0.00012 and 0.00014; gnomAD exomes 0.00004 and 0.00001; ExAC 0.00005; TOPMed 0.00014; ESP Exome Variant Server 0.00024.
gnomAD v4.1: 35 of 1,613,728 alleles (0.0022%); highest among the groups gnomAD compares: African/African-American, 0.036%; no homozygotes.

Submissions (6):

Labcorp Genetics (formerly Invitae), Labcorp
Classification: Uncertain significance for Hyperkalemic periodic paralysis. Last evaluated: 2025-10-11. Review status: criteria provided, single submitter. Criteria: Invitae Variant Classification Sherloc (09022015). Collection method: clinical testing. Allele origin: germline.
Comment: This sequence change replaces alanine, which is neutral and non-polar, with threonine, which is neutral and polar, at codon 1631 of the SCN4A protein (p.Ala1631Thr). This variant is present in population databases (rs201115695, gnomAD 0.03%). This variant has not been reported in the literature in individuals affected with SCN4A-related conditions. ClinVar contains an entry for this variant (Variation ID: 324511). Invitae Evidence Modeling of protein sequence and biophysical properties (such as structural, functional, and spatial information, amino acid conservation, physicochemical variation, residue mobility, and thermodynamic stability) has been performed for this missense variant. However, the output from this modeling did not meet the statistical confidence thresholds required to predict the impact of this variant on SCN4A protein function. In summary, the available evidence is currently insufficient to determine the role of this variant in disease. Therefore, it has been classified as a Variant of Uncertain Significance.

Illumina Laboratory Services, Illumina
Classification: Uncertain significance for Hyperkalemic periodic paralysis. Last evaluated: 2018-01-13. Review status: criteria provided, single submitter. Criteria: ICSL Variant Classification Criteria 13 December 2019. Collection method: clinical testing. Allele origin: germline.

Illumina Laboratory Services, Illumina
Classification: Uncertain significance for Hypokalemic periodic paralysis, type 2. Last evaluated: 2018-01-13. Review status: criteria provided, single submitter. Criteria: ICSL Variant Classification Criteria 13 December 2019. Collection method: clinical testing. Allele origin: germline.

Illumina Laboratory Services, Illumina
Classification: Likely benign for Potassium-aggravated myotonia. Last evaluated: 2018-01-13. Review status: criteria provided, single submitter. Criteria: ICSL Variant Classification Criteria 13 December 2019. Collection method: clinical testing. Allele origin: germline.
Comment: This variant was observed in the ICSL laboratory as part of a predisposition screen in an ostensibly healthy population. It had not been previously curated by ICSL or reported in the Human Gene Mutation Database (HGMD: prior to June 1st, 2018), and was therefore a candidate for classification through an automated scoring system. Utilizing variant allele frequency, disease prevalence and penetrance estimates, and inheritance mode, an automated score was calculated to assess if this variant is too frequent to cause the disease. Based on the score and internal cut-off values, a variant classified as likely benign is not then subjected to further curation. The score for this variant resulted in a classification of likely benign for this disease.

Illumina Laboratory Services, Illumina
Classification: Uncertain significance for Congenital myasthenic syndrome 16. Last evaluated: 2018-01-13. Review status: criteria provided, single submitter. Criteria: ICSL Variant Classification Criteria 13 December 2019. Collection method: clinical testing. Allele origin: germline.

Illumina Laboratory Services, Illumina
Classification: Uncertain significance for Paramyotonia congenita of Von Eulenburg. Last evaluated: 2018-01-13. Review status: criteria provided, single submitter. Criteria: ICSL Variant Classification Criteria 13 December 2019. Collection method: clinical testing. Allele origin: germline.

NM_000334.4(SCN4A):c.4891G>A (p.Ala1631Thr)

Genes: GH-LCR (growth hormone locus control region; plus strand), SCN4A (sodium voltage-gated channel alpha subunit 4; minus strand). Cytogenetic location: 17q23.3.
Variant type: single nucleotide variant.
Coding change: c.4891G>A on transcript NM_000334.4 (MANE Select); coding-DNA position 4891, G replaced by A.
Protein change: p.Ala1631Thr; replaces alanine 1631 with threonine.
Molecular consequence: missense variant.
Genome position (GRCh38, 1-based): chr17:63,941,391, C>T on the plus strand (G>A on the coding strand, the complement: SCN4A is on the minus strand). VCF-style: chr17-63941391-C-T. GRCh37 (hg19) VCF-style: chr17-62018751-C-T.
Other names: short protein forms A1631T.
Identifiers: ClinVar variation 324511 (VCV000324511.7), dbSNP rs201115695, ClinGen allele CA8708881.